The following is an entry in ClinVar:

ClinVar aggregate classification (germline): Likely benign (0 of 4 stars; one submission).

Conditions:
MYO5B-related disorder. Also called: MYO5B-related condition.

Submission:

PreventionGenetics, part of Exact Sciences
Classification: Likely benign for MYO5B-related condition. Last evaluated: 2024-05-17. Review status: no assertion criteria provided. Collection method: clinical testing. Allele origin: germline.
Comment: This variant is classified as likely benign based on ACMG/AMP sequence variant interpretation guidelines (Richards et al. 2015 PMID: 25741868, with internal and published modifications).

NM_001080467.3(MYO5B):c.3483A>G (p.Lys1161=)

Gene: MYO5B (myosin VB; minus strand). Cytogenetic location: 18q21.1.
Variant type: single nucleotide variant.
Coding change: c.3483A>G on transcript NM_001080467.3 (MANE Select); coding-DNA position 3483, A replaced by G.
Protein change: p.Lys1161=; no amino-acid change (lysine 1161 retained).
Molecular consequence: synonymous variant.
Genome position (GRCh38, 1-based): chr18:49,875,741, T>C on the plus strand (A>G on the coding strand, the complement: MYO5B is on the minus strand). VCF-style: chr18-49875741-T-C. GRCh37 (hg19) VCF-style: chr18-47402111-T-C.
Identifiers: ClinVar variation 3346968 (VCV003346968.1).